The following is an entry in ClinVar:

NM_000123.4(ERCC5):c.2478T>A (p.Phe826Leu)

Genes: BIVM-ERCC5 (BIVM-ERCC5 readthrough; plus strand), ERCC5 (ERCC excision repair 5, endonuclease; plus strand), LOC126861834 (BRD4-independent group 4 enhancer GRCh37_chr13:103518038-103519237; plus strand). Cytogenetic location: 13q33.1.
Variant type: single nucleotide variant.
Coding change: c.2478T>A on transcript NM_000123.4 (MANE Select); coding-DNA position 2478, T replaced by A.
Protein change: p.Phe826Leu; replaces phenylalanine 826 with leucine.
Molecular consequence: missense variant.
Genome position (GRCh38, 1-based): chr13:102,866,790, T>A. VCF-style: chr13-102866790-T-A. GRCh37 (hg19) VCF-style: chr13-103519140-T-A.
Other names: c.3840T>A, p.Phe1280Leu (NM_001204425.2); short protein forms F826L, F1280L.
Identifiers: ClinVar variation 2713625 (VCV002713625.2), dbSNP rs761058720, ClinGen allele CA7041650.

ClinVar aggregate classification (germline): Uncertain significance (1 of 4 stars; one submission).

Allele frequency attached by ClinVar (database versions not stated): TOPMed 0.00003; ExAC 0.00004; gnomAD 0.00005; gnomAD exomes 0.00008.
gnomAD v4.1: 126 of 1,614,052 alleles (0.0078%); highest among the groups gnomAD compares: Non-Finnish European, 0.0098%; no homozygotes.

Submission:

Labcorp Genetics (formerly Invitae), Labcorp
Classification: Uncertain significance. Last evaluated: 2023-11-18. Review status: criteria provided, single submitter. Criteria: Invitae Variant Classification Sherloc (09022015). Collection method: clinical testing. Allele origin: germline.
Comment: This sequence change replaces phenylalanine, which is neutral and non-polar, with leucine, which is neutral and non-polar, at codon 826 of the ERCC5 protein (p.Phe826Leu). This variant is present in population databases (rs761058720, gnomAD 0.01%). This variant has not been reported in the literature in individuals affected with ERCC5-related conditions. An algorithm developed to predict the effect of missense changes on protein structure and function (PolyPhen-2) suggests that this variant is likely to be disruptive. In summary, the available evidence is currently insufficient to determine the role of this variant in disease. Therefore, it has been classified as a Variant of Uncertain Significance.